The following is an entry in ClinVar:

NM_000937.5(POLR2A):c.1707G>A (p.Thr569=)

Gene: POLR2A (RNA polymerase II subunit A; plus strand). Cytogenetic location: 17p13.1.
Variant type: single nucleotide variant.
Coding change: c.1707G>A on transcript NM_000937.5 (MANE Select); coding-DNA position 1707, G replaced by A.
Protein change: p.Thr569=; no amino-acid change (threonine 569 retained).
Molecular consequence: synonymous variant.
Genome position (GRCh38, 1-based): chr17:7,500,674, G>A. VCF-style: chr17-7500674-G-A. GRCh37 (hg19) VCF-style: chr17-7403993-G-A.
Identifiers: ClinVar variation 3250612 (VCV003250612.18), dbSNP rs147280623.

ClinVar aggregate classification (germline): Likely benign (1 of 4 stars; one submission).

Allele frequency attached by ClinVar (database versions not stated): gnomAD exomes 0.00005; gnomAD 0.00008; TOPMed 0.00014; ESP Exome Variant Server 0.00015; 1000 Genomes Project 30x 0.00016; ExAC 0.00018; 1000 Genomes Project 0.00020.

Submission:

CeGaT Center for Human Genetics Tuebingen
Classification: Likely benign. Last evaluated: 2024-06-01. Review status: criteria provided, single submitter. Criteria: CeGaT Center For Human Genetics Tuebingen Variant Classification Criteria Version 2. Collection method: clinical testing. Allele origin: germline. Affected: yes. Observed: 1 variant allele.
Comment: POLR2A: BP4, BP7, BS1